The following is an entry in ClinVar:

NM_002894.3(RBBP8):c.220C>T (p.His74Tyr)

Gene: RBBP8 (RB binding protein 8, endonuclease; plus strand). Cytogenetic location: 18q11.2.
Variant type: single nucleotide variant.
Coding change: c.220C>T on transcript NM_002894.3 (MANE Select); coding-DNA position 220, C replaced by T.
Protein change: p.His74Tyr; replaces histidine 74 with tyrosine.
Molecular consequence: missense variant.
Genome position (GRCh38, 1-based): chr18:22,949,685, C>T. VCF-style: chr18-22949685-C-T. GRCh37 (hg19) VCF-style: chr18-20529648-C-T.
Other names: c.220C>T, p.His74Tyr (NM_203291.2, NM_203292.2); c.220C>T (NM_002894.2); short protein forms H74Y.
Identifiers: ClinVar variation 2150681 (VCV002150681.5), dbSNP rs372071581, ClinGen allele CA8909743.

ClinVar aggregate classification (germline): Uncertain significance. Review status: criteria provided, multiple submitters, no conflicts (2 of 4 stars). 4 submissions from 4 submitters: Uncertain significance (3). 1 of the submissions does not count toward it. Last evaluated 2025-04-01.

Conditions:
Inborn genetic diseases. Identifiers: MedGen C0950123, MeSH D030342.

Allele frequency attached by ClinVar (database versions not stated): gnomAD exomes 0.00001; ESP Exome Variant Server 0.00023; ExAC 0.00002; gnomAD 0.00003; TOPMed 0.00004.
gnomAD v4.1: 8 of 1,613,064 alleles (0.0005%); highest among the groups gnomAD compares: African/African-American, 0.0013%; no homozygotes.

Submissions (4):

Ambry Genetics
Classification: Uncertain significance for Inborn genetic diseases. Last evaluated: 2025-04-01. Review status: criteria provided, single submitter. Criteria: Ambry Variant Classification Scheme 2023. Collection method: clinical testing. Allele origin: germline.

GeneDx
Classification: Uncertain significance. Last evaluated: 2023-03-31. Review status: criteria provided, single submitter. Criteria: GeneDx Variant Classification Process June 2021. Collection method: clinical testing. Allele origin: germline. Affected: yes.
Comment: Not observed at significant frequency in large population cohorts (gnomAD); In silico analysis supports that this missense variant has a deleterious effect on protein structure/function; Has not been previously published as pathogenic or benign to our knowledge

Labcorp Genetics (formerly Invitae), Labcorp
Classification: Uncertain significance. Last evaluated: 2022-08-17. Review status: criteria provided, single submitter. Criteria: Invitae Variant Classification Sherloc (09022015). Collection method: clinical testing. Allele origin: germline.
Comment: This sequence change replaces histidine, which is basic and polar, with tyrosine, which is neutral and polar, at codon 74 of the RBBP8 protein (p.His74Tyr). This variant is present in population databases (rs372071581, gnomAD 0.005%). This variant has not been reported in the literature in individuals affected with RBBP8-related conditions. Algorithms developed to predict the effect of missense changes on protein structure and function are either unavailable or do not agree on the potential impact of this missense change (SIFT: "Deleterious"; PolyPhen-2: "Possibly Damaging"; Align-GVGD: "Class C0"). In summary, the available evidence is currently insufficient to determine the role of this variant in disease. Therefore, it has been classified as a Variant of Uncertain Significance.

Genetic Services Laboratory, University of Chicago
Classification: Uncertain significance. Last evaluated: 2022-12-07. Review status: no assertion criteria provided. Collection method: clinical testing. Allele origin: germline. Affected: no. Not counted in ClinVar's aggregate classification.
Comment: DNA sequence analysis of the RBBP8 gene demonstrated a sequence change, c.220C>T, in exon 4 that results in an amino acid change, p.His74Tyr. This sequence change does not appear to have been previously described in individuals with RBBP8-related disorders. This sequence change has been described in the gnomAD database with a frequency of 0.002% in the overall population (dbSNP rs372071581). The p.His74Tyr change affects a moderately conserved amino acid residue located in a domain of the RBBP8 protein that is known to be functional. In-silico pathogenicity prediction tools (SIFT, PolyPhen2, Align GVGD, REVEL) provide contradictory results for the p.His74Tyr substitution. Due to insufficient evidences and the lack of functional studies, the clinical significance of the p.His74Tyr change remains unknown at this time.